The following is an entry in ClinVar:

ClinVar aggregate classification (germline): Uncertain significance (1 of 4 stars; one submission).

Conditions:
Inborn genetic diseases. Identifiers: MedGen C0950123, MeSH D030342.

Allele frequency attached by ClinVar (database versions not stated): gnomAD exomes below 0.00001.
gnomAD v4.1: 1 of 1,611,544 alleles (0.000062%); highest among the groups gnomAD compares: East Asian, 0.0022%; no homozygotes.

Submission:

Ambry Genetics
Classification: Uncertain significance for Inborn genetic diseases. Last evaluated: 2022-12-11. Review status: criteria provided, single submitter. Criteria: Ambry Variant Classification Scheme 2023. Collection method: clinical testing. Allele origin: germline.
Comment: The p.D248N variant (also known as c.742G>A), located in coding exon 8 of the AKT1 gene, results from a G to A substitution at nucleotide position 742. The aspartic acid at codon 248 is replaced by asparagine, an amino acid with highly similar properties. This amino acid position is conserved. In addition, this alteration is predicted to be tolerated by in silico analysis. Since supporting evidence is limited at this time, the clinical significance of this alteration remains unclear.

NM_001382430.1(AKT1):c.742G>A (p.Asp248Asn)

Gene: AKT1 (AKT serine/threonine kinase 1; minus strand). Cytogenetic location: 14q32.33.
Variant type: single nucleotide variant.
Coding change: c.742G>A on transcript NM_001382430.1 (MANE Select); coding-DNA position 742, G replaced by A.
Protein change: p.Asp248Asn; replaces aspartic acid 248 with asparagine.
Molecular consequence: missense variant.
Genome position (GRCh38, 1-based): chr14:104,773,541, C>T on the plus strand (G>A on the coding strand, the complement: AKT1 is on the minus strand). VCF-style: chr14-104773541-C-T. GRCh37 (hg19) VCF-style: chr14-105239878-C-T.
Other names: c.742G>A, p.Asp248Asn (NM_001014431.2, NM_001014432.2, NM_001382431.1 and 3 more transcripts); short protein forms D248N.
Identifiers: ClinVar variation 2453708 (VCV002453708.2), dbSNP rs2542129077, ClinGen allele CA391218447.